The following is an entry in ClinVar:

ClinVar aggregate classification (germline): Uncertain significance (1 of 4 stars; one submission).

Submission:

GeneDx
Classification: Uncertain significance. Last evaluated: 2026-02-05. Review status: criteria provided, single submitter. Criteria: GeneDx Variant Classification Process June 2021. Collection method: clinical testing. Allele origin: germline.
Comment: In silico analysis suggests that this missense variant does not alter protein structure/function; Has not been previously published as pathogenic or benign to our knowledge

NM_001080476.3(GRXCR1):c.255G>C (p.Arg85Ser)

Gene: GRXCR1 (glutaredoxin and cysteine rich domain containing 1; plus strand). Cytogenetic location: 4p13.
Variant type: single nucleotide variant.
Coding change: c.255G>C on transcript NM_001080476.3 (MANE Select); coding-DNA position 255, G replaced by C.
Protein change: p.Arg85Ser; replaces arginine 85 with serine.
Molecular consequence: missense variant.
Genome position (GRCh38, 1-based): chr4:42,893,521, G>C. VCF-style: chr4-42893521-G-C. GRCh37 (hg19) VCF-style: chr4-42895538-G-C.
Other names: short protein forms R85S.
Identifiers: ClinVar variation 4976022 (VCV004976022.1).
Genomic context (GRCh38, chr4:42,893,521, plus strand): 5'-CATAGAGTCAGAAGGTGATGAGAATGAGAATGACCAGGATAGCTTGCTGGTGTTAGCAAG[G>C]GCTGCCAGTGAGAAGGGTTTTGGTACAAGAAGAGTCAACATTTTAAGCAAAAATGGCACA-3'
Protein context (NP_001073945.1, residues 75-95): NDQDSLLVLA[Arg85Ser]AASEKGFGTR